The following is an entry in ClinVar:

ClinVar aggregate classification (germline): Benign. Review status: criteria provided, multiple submitters, no conflicts (2 of 4 stars). 2 submissions from 2 submitters: Benign (2). Last evaluated 2016-03-16.

Allele frequency attached by ClinVar (database versions not stated): gnomAD 0.00988 and 0.01018; TOPMed 0.01074; ESP Exome Variant Server 0.01154; 1000 Genomes Project 0.01218; 1000 Genomes Project 30x 0.01249.
gnomAD v4.1: 7,359 of 1,613,858 alleles (0.46%); highest among the groups gnomAD compares: African/African-American, 2.5%; 44 homozygotes.

Submissions (6):

Laboratory for Molecular Medicine, Mass General Brigham Personalized Medicine
Classification: Benign. Last evaluated: 2016-03-16. Review status: criteria provided, single submitter. Criteria: LMM Criteria. Collection method: clinical testing. Allele origin: germline. Observed: 2 variant alleles.
Comment: c.292+11C>T in intron 4 of SFTPA2: This variant is not expected to have clinical significance because it is not located within the splice consensus sequence. I t has been identified in 2.7% (278/10396) of African chromosomes including 2 hom ozygotes by the Exome Aggregation Consortium (ExAC, rg; dbSNP rs182465294).

Breakthrough Genomics
Classification: Benign. Review status: criteria provided, single submitter. Criteria: ACMG Guidelines, 2015. Collection method: not provided. Allele origin: germline. Inheritance: Autosomal dominant inheritance. Affected: yes.

Dr. Peter K. Rogan Lab, Western University
No classification provided (evidence only). Condition: Lung cancer. Review status: no classification provided. Collection method: in vitro. Allele origin: not applicable. Functional consequence: retained intron. Not counted in ClinVar's aggregate classification.

Dr. Peter K. Rogan Lab, Western University
No classification provided (evidence only). Condition: Lung cancer. Review status: no classification provided. Collection method: in vitro. Allele origin: not applicable. Functional consequence: retained intron. Not counted in ClinVar's aggregate classification.

Dr. Peter K. Rogan Lab, Western University
No classification provided (evidence only). Condition: Lung cancer. Review status: no classification provided. Collection method: in vitro. Allele origin: not applicable. Functional consequence: retained intron. Not counted in ClinVar's aggregate classification.

Dr. Peter K. Rogan Lab, Western University
No classification provided (evidence only). Condition: Familial cancer of breast. Review status: no classification provided. Collection method: in vitro. Allele origin: not applicable. Functional consequence: retained intron. Not counted in ClinVar's aggregate classification.

NM_001098668.4(SFTPA2):c.292+11C>T

Gene: SFTPA2 (surfactant protein A2; minus strand). Cytogenetic location: 10q22.3.
Variant type: single nucleotide variant.
Coding change: c.292+11C>T on transcript NM_001098668.4 (MANE Select); 11 bases into the intron after coding-DNA position 292, C replaced by T.
Molecular consequence: intron variant.
Genome position (GRCh38, 1-based): chr10:79,558,875, G>A on the plus strand (C>T on the coding strand, the complement: SFTPA2 is on the minus strand). VCF-style: chr10-79558875-G-A. GRCh37 (hg19) VCF-style: chr10-81318631-G-A.
Other names: c.292+11C>T (NM_001320813.2); c.322+11C>T (NM_001320814.1).
Identifiers: ClinVar variation 227068 (VCV000227068.7), dbSNP rs182465294, ClinGen allele CA5574118.